The following is an entry in ClinVar:

ClinVar aggregate classification (germline): Benign. Review status: criteria provided, multiple submitters, no conflicts (2 of 4 stars). 2 submissions from 2 submitters: Benign (2). Last evaluated 2026-08-01.

Allele frequency attached by ClinVar (database versions not stated): 1000 Genomes Project 30x 0.00094; 1000 Genomes Project 0.00100; TOPMed 0.00108; ESP Exome Variant Server 0.00115; gnomAD exomes 0.00226 and 0.00303; gnomAD 0.00253 and 0.00268; ExAC 0.00276.

Submissions (2):

CeGaT Center for Human Genetics Tuebingen
Classification: Benign. Last evaluated: 2026-08-01. Review status: criteria provided, single submitter. Criteria: CeGaT Center For Human Genetics Tuebingen Variant Classification Criteria Version 2. Collection method: clinical testing. Allele origin: germline. Affected: yes. Observed: 1 variant allele.
Comment: SECISBP2: BS1, BS2

Labcorp Genetics (formerly Invitae), Labcorp
Classification: Benign. Last evaluated: 2019-12-31. Review status: criteria provided, single submitter. Criteria: Invitae Variant Classification Sherloc (09022015). Collection method: clinical testing. Allele origin: germline.

NM_024077.5(SECISBP2):c.1388A>G (p.Gln463Arg)

Gene: SECISBP2 (SECIS binding protein 2; plus strand). Cytogenetic location: 9q22.2.
Variant type: single nucleotide variant.
Coding change: c.1388A>G on transcript NM_024077.5 (MANE Select); coding-DNA position 1388, A replaced by G.
Protein change: p.Gln463Arg; replaces glutamine 463 with arginine.
Molecular consequence: missense variant.
Genome position (GRCh38, 1-based): chr9:89,341,432, A>G. VCF-style: chr9-89341432-A-G. GRCh37 (hg19) VCF-style: chr9-91956347-A-G.
Other names: c.1385A>G, p.Gln462Arg (NM_001282688.2); c.1169A>G, p.Gln390Arg (NM_001282689.2); c.1184A>G, p.Gln395Arg (NM_001282690.1); c.1271A>G, p.Gln424Arg (NM_001354696.2); c.1274A>G, p.Gln425Arg (NM_001354697.2); c.1181A>G, p.Gln394Arg (NM_001354698.2); c.503A>G, p.Gln168Arg (NM_001354702.2); short protein forms Q168R, Q390R, Q463R, Q424R, Q425R, Q462R, Q394R, Q395R.
Identifiers: ClinVar variation 707073 (VCV000707073.5), dbSNP rs62638733, ClinGen allele CA5117422.
Genomic context (GRCh38, chr9:89,341,432, plus strand): 5'-AGAGCCAGCTTCCAGTGCAGTTGGACTTGGGGGGCATGCTGACAGCCCTGGAGAAGAAGC[A>G]GCACTCTCAGCATGCAAAGCAGTCCTCCAAACCAGTGGTAGTCTCAGGTAAGAGAGTCTT-3'
Protein context (NP_076982.3, residues 453-473): GGMLTALEKK[Gln463Arg]HSQHAKQSSK